The following is an entry in ClinVar:

ClinVar aggregate classification (germline): Likely benign (1 of 4 stars; one submission).

Allele frequency attached by ClinVar (database versions not stated): gnomAD 0.00001; TOPMed 0.00002; ExAC 0.00003; gnomAD exomes 0.00003; ESP Exome Variant Server 0.00008.
gnomAD v4.1: 47 of 1,612,316 alleles (0.0029%); highest among the groups gnomAD compares: Non-Finnish European, 0.0036%; no homozygotes.

Submission:

CeGaT Center for Human Genetics Tuebingen
Classification: Likely benign. Last evaluated: 2023-03-01. Review status: criteria provided, single submitter. Criteria: CeGaT Center For Human Genetics Tuebingen Variant Classification Criteria Version 2. Collection method: clinical testing. Allele origin: germline. Affected: yes. Observed: 2 variant alleles.
Comment: TLN2: BP4, BP7

NM_015059.3(TLN2):c.2937T>C (p.Ala979=)

Gene: TLN2 (talin 2; plus strand). Cytogenetic location: 15q22.2.
Variant type: single nucleotide variant.
Coding change: c.2937T>C on transcript NM_015059.3 (MANE Select); coding-DNA position 2937, T replaced by C.
Protein change: p.Ala979=; no amino-acid change (alanine 979 retained).
Molecular consequence: synonymous variant.
Genome position (GRCh38, 1-based): chr15:62,719,826, T>C. VCF-style: chr15-62719826-T-C. GRCh37 (hg19) VCF-style: chr15-63012025-T-C.
Other names: c.2937T>C, p.Ala979= (NM_001394547.1).
Identifiers: ClinVar variation 2645410 (VCV002645410.24), dbSNP rs142617029, ClinGen allele CA7599349.